The following is an entry in ClinVar:

NM_001174147.2(LMX1B):c.221C>T (p.Ser74Leu)

Gene: LMX1B (LIM homeobox transcription factor 1 beta; plus strand). Cytogenetic location: 9q33.3.
Variant type: single nucleotide variant.
Coding change: c.221C>T on transcript NM_001174147.2 (MANE Select); coding-DNA position 221, C replaced by T.
Protein change: p.Ser74Leu; replaces serine 74 with leucine.
Molecular consequence: missense variant.
Genome position (GRCh38, 1-based): chr9:126,615,464, C>T. VCF-style: chr9-126615464-C-T. GRCh37 (hg19) VCF-style: chr9-129377743-C-T.
Other names: c.221C>T, p.Ser74Leu (NM_001174146.2, NM_002316.4); short protein forms S74L.
Identifiers: ClinVar variation 1391497 (VCV001391497.8), dbSNP rs1835285052, ClinGen allele CA374910017.

ClinVar aggregate classification (germline): Uncertain significance (1 of 4 stars; one submission).

Allele frequency attached by ClinVar (database versions not stated): TOPMed below 0.00001.
gnomAD v4.1: 1 of 1,610,034 alleles (0.000062%); highest among the groups gnomAD compares: Non-Finnish European, 0.000085%; no homozygotes.

Submission:

Labcorp Genetics (formerly Invitae), Labcorp
Classification: Uncertain significance. Last evaluated: 2021-04-28. Review status: criteria provided, single submitter. Criteria: Invitae Variant Classification Sherloc (09022015). Collection method: clinical testing. Allele origin: germline.
Comment: This sequence change replaces serine with leucine at codon 74 of the LMX1B protein (p.Ser74Leu). The serine residue is moderately conserved and there is a large physicochemical difference between serine and leucine. This variant is not present in population databases (ExAC no frequency). This variant has not been reported in the literature in individuals with LMX1B-related conditions. Algorithms developed to predict the effect of missense changes on protein structure and function are either unavailable or do not agree on the potential impact of this missense change (SIFT: "Deleterious"; PolyPhen-2: "Benign"; Align-GVGD: "Class C0"). In summary, the available evidence is currently insufficient to determine the role of this variant in disease. Therefore, it has been classified as a Variant of Uncertain Significance.